The following is an entry in ClinVar:

ClinVar aggregate classification (germline): Uncertain significance (1 of 4 stars; one submission).

Submission:

GeneDx
Classification: Uncertain significance. Last evaluated: 2024-02-20. Review status: criteria provided, single submitter. Criteria: GeneDx Variant Classification Process June 2021. Collection method: clinical testing. Allele origin: germline. Affected: yes.
Comment: Not observed at significant frequency in large population cohorts (gnomAD); In silico analysis supports that this missense variant does not alter protein structure/function; Has not been previously published as pathogenic or benign to our knowledge

NM_001348323.3(TRIP12):c.3463G>A (p.Asp1155Asn)

Gene: TRIP12 (thyroid hormone receptor interactor 12; minus strand). Cytogenetic location: 2q36.3.
Variant type: single nucleotide variant.
Coding change: c.3463G>A on transcript NM_001348323.3 (MANE Select); coding-DNA position 3463, G replaced by A.
Protein change: p.Asp1155Asn; replaces aspartic acid 1155 with asparagine.
Molecular consequence: missense variant.
Genome position (GRCh38, 1-based): chr2:229,798,894, C>T on the plus strand (G>A on the coding strand, the complement: TRIP12 is on the minus strand). VCF-style: chr2-229798894-C-T. GRCh37 (hg19) VCF-style: chr2-230663610-C-T.
Other names: c.3382G>A, p.Asp1128Asn (NM_001284214.2, NM_001348315.2); c.3337G>A, p.Asp1113Asn (NM_001284215.2, NM_001348316.2, NM_001348317.1 and 1 more transcripts); c.2428G>A, p.Asp810Asn (NM_001284216.2); c.3463G>A, p.Asp1155Asn (NM_001348319.1, NM_001348320.2, NM_001348322.1 and 4 more transcripts); c.3466G>A, p.Asp1156Asn (NM_001348321.1, NM_001348328.1, NM_001348329.2 and 1 more transcripts); c.3256G>A, p.Asp1086Asn (NM_001348331.1); c.3376G>A, p.Asp1126Asn (NM_001348332.1); c.3385G>A, p.Asp1129Asn (NM_001348333.1); and 1 more; short protein forms D1080N, D1086N, D1113N, D1126N, D1128N, D1129N, D1155N, D1156N.
Identifiers: ClinVar variation 3369275 (VCV003369275.1).